The following is an entry in ClinVar:

NM_001378030.1(CCDC78):c.502G>A (p.Glu168Lys)

Gene: CCDC78 (coiled-coil domain containing 78; minus strand). Cytogenetic location: 16p13.3.
Variant type: single nucleotide variant.
Coding change: c.502G>A on transcript NM_001378030.1 (MANE Select); coding-DNA position 502, G replaced by A.
Protein change: p.Glu168Lys; replaces glutamic acid 168 with lysine.
Molecular consequence: missense variant. On other transcripts: non-coding transcript variant (5).
Genome position (GRCh38, 1-based): chr16:725,136, C>T on the plus strand (G>A on the coding strand, the complement: CCDC78 is on the minus strand). VCF-style: chr16-725136-C-T. GRCh37 (hg19) VCF-style: chr16-775136-C-T.
Other names: c.502G>A, p.Glu168Lys (NM_001031737.3, NM_001378031.1); c.140G>A, p.Gly47Glu (NM_001378033.1); short protein forms E168K, G47E.
Identifiers: ClinVar variation 572015 (VCV000572015.8), dbSNP rs777794522, ClinGen allele CA7789551.

ClinVar aggregate classification (germline): Uncertain significance (1 of 4 stars; one submission).

Conditions:
Congenital myopathy with internal nuclei and atypical cores. Also called: Myopathy, centronuclear, 4. Identifiers: Orphanet 319160, MedGen C4707232, MONDO:0013890, OMIM 614807.

Allele frequency attached by ClinVar (database versions not stated): TOPMed 0.00002; gnomAD 0.00003.
gnomAD v4.1: 62 of 1,612,686 alleles (0.0038%); highest among the groups gnomAD compares: Non-Finnish European, 0.0047%; no homozygotes.

Submission:

Labcorp Genetics (formerly Invitae), Labcorp
Classification: Uncertain significance for Congenital myopathy with internal nuclei and atypical cores. Last evaluated: 2024-07-19. Review status: criteria provided, single submitter. Criteria: Invitae Variant Classification Sherloc (09022015). Collection method: clinical testing. Allele origin: germline.
Comment: This sequence change replaces glutamic acid, which is acidic and polar, with lysine, which is basic and polar, at codon 168 of the CCDC78 protein (p.Glu168Lys). This variant is present in population databases (rs777794522, gnomAD 0.003%). This variant has not been reported in the literature in individuals affected with CCDC78-related conditions. ClinVar contains an entry for this variant (Variation ID: 572015). Advanced modeling of protein sequence and biophysical properties (such as structural, functional, and spatial information, amino acid conservation, physicochemical variation, residue mobility, and thermodynamic stability) performed at Invitae indicates that this missense variant is not expected to disrupt CCDC78 protein function with a negative predictive value of 80%. In summary, the available evidence is currently insufficient to determine the role of this variant in disease. Therefore, it has been classified as a Variant of Uncertain Significance.